The following is an entry in ClinVar:

NM_014727.3(KMT2B):c.2557A>G (p.Arg853Gly)

Gene: KMT2B (lysine methyltransferase 2B; plus strand). Cytogenetic location: 19q13.12.
Variant type: single nucleotide variant.
Coding change: c.2557A>G on transcript NM_014727.3 (MANE Select); coding-DNA position 2557, A replaced by G.
Protein change: p.Arg853Gly; replaces arginine 853 with glycine.
Molecular consequence: missense variant.
Genome position (GRCh38, 1-based): chr19:35,722,458, A>G. VCF-style: chr19-35722458-A-G. GRCh37 (hg19) VCF-style: chr19-36213360-A-G.
Other names: short protein forms R853G.
Identifiers: ClinVar variation 2998397 (VCV002998397.3), dbSNP rs1308440177, ClinGen allele CA405398551.
Genomic context (GRCh38, chr19:35,722,458, plus strand): 5'-GTCAAGCAGATCTCCGACAGAGGCCCTGTCCGGTCTGAAGATGAGTCGGTGGAAGCTAAG[A>G]GAGAGCGGCCCTCAGTATGCATCGGGAGGAGGGCCCTGAAGAAGACTGGCGGGAGGAGTG-3'
Protein context (NP_055542.1, residues 843-863): RSEDESVEAK[Arg853Gly]ERPSGPESPV

ClinVar aggregate classification (germline): Uncertain significance (1 of 4 stars; one submission).

gnomAD v4.1: 1 of 1,608,400 alleles (0.000062%); no homozygotes.

Submission:

Labcorp Genetics (formerly Invitae), Labcorp
Classification: Uncertain significance. Last evaluated: 2023-08-04. Review status: criteria provided, single submitter. Criteria: Invitae Variant Classification Sherloc (09022015). Collection method: clinical testing. Allele origin: germline.
Comment: Advanced modeling of protein sequence and biophysical properties (such as structural, functional, and spatial information, amino acid conservation, physicochemical variation, residue mobility, and thermodynamic stability) performed at Invitae indicates that this missense variant is not expected to disrupt KMT2B protein function. This sequence change replaces arginine, which is basic and polar, with glycine, which is neutral and non-polar, at codon 853 of the KMT2B protein (p.Arg853Gly). This variant is present in population databases (no rsID available, gnomAD no frequency). This variant has not been reported in the literature in individuals affected with KMT2B-related conditions. In summary, the available evidence is currently insufficient to determine the role of this variant in disease. Therefore, it has been classified as a Variant of Uncertain Significance.